The following is an entry in ClinVar:

NM_006302.3(MOGS):c.301C>T (p.Pro101Ser)

Gene: MOGS (mannosyl-oligosaccharide glucosidase; minus strand). Cytogenetic location: 2p13.1.
Variant type: single nucleotide variant.
Coding change: c.301C>T on transcript NM_006302.3 (MANE Select); coding-DNA position 301, C replaced by T.
Protein change: p.Pro101Ser; replaces proline 101 with serine.
Molecular consequence: missense variant. On other transcripts: 5 prime UTR variant (1).
Genome position (GRCh38, 1-based): chr2:74,464,947, G>A on the plus strand (C>T on the coding strand, the complement: MOGS is on the minus strand). VCF-style: chr2-74464947-G-A. GRCh37 (hg19) VCF-style: chr2-74692074-G-A.
Other names: c.-18C>T (NM_001146158.2); short protein forms P101S.
Identifiers: ClinVar variation 1057306 (VCV001057306.9), dbSNP rs2103985234, ClinGen allele CA347382567.

ClinVar aggregate classification (germline): Uncertain significance (1 of 4 stars; one submission).

Conditions:
MOGS-congenital disorder of glycosylation. Also called: MOGS-CDG; CDG IIb; GLUCOSIDASE I DEFICIENCY; CDG 2B. Identifiers: Orphanet 79330, MedGen C1853736, MONDO:0011629, OMIM 606056.

Allele frequency attached by ClinVar (database versions not stated): gnomAD exomes below 0.00001.

Submission:

Labcorp Genetics (formerly Invitae), Labcorp
Classification: Uncertain significance for MOGS-congenital disorder of glycosylation. Last evaluated: 2020-02-06. Review status: criteria provided, single submitter. Criteria: Invitae Variant Classification Sherloc (09022015). Collection method: clinical testing. Allele origin: germline.
Comment: In summary, the available evidence is currently insufficient to determine the role of this variant in disease. Therefore, it has been classified as a Variant of Uncertain Significance. Algorithms developed to predict the effect of missense changes on protein structure and function are either unavailable or do not agree on the potential impact of this missense change (SIFT: "Tolerated"; PolyPhen-2: "Possibly Damaging"; Align-GVGD: "Class C0"). This variant has not been reported in the literature in individuals with MOGS-related conditions. This variant is not present in population databases (ExAC no frequency). This sequence change replaces proline with serine at codon 101 of the MOGS protein (p.Pro101Ser). The proline residue is highly conserved and there is a moderate physicochemical difference between proline and serine.